The following is an entry in ClinVar:

NM_005477.3(HCN4):c.499C>G (p.Pro167Ala)

Gene: HCN4 (hyperpolarization activated cyclic nucleotide gated potassium channel 4; minus strand). Cytogenetic location: 15q24.1.
Variant type: single nucleotide variant.
Coding change: c.499C>G on transcript NM_005477.3 (MANE Select); coding-DNA position 499, C replaced by G.
Protein change: p.Pro167Ala; replaces proline 167 with alanine.
Molecular consequence: missense variant.
Genome position (GRCh38, 1-based): chr15:73,367,772, G>C on the plus strand (C>G on the coding strand, the complement: HCN4 is on the minus strand). VCF-style: chr15-73367772-G-C. GRCh37 (hg19) VCF-style: chr15-73660113-G-C.
Other names: short protein forms P167A.
Identifiers: ClinVar variation 2810916 (VCV002810916.3), dbSNP rs2549080298, ClinGen allele CA393097837.
Genomic context (GRCh38, chr15:73,367,772, plus strand): 5'-CGGTGTCCACCGAGGGCTGCTCGCAGGAGGCGGAGGCCGGCTGCGGTGGCTGCTGGGGCG[G>C]CGGCGGCGAGGCTGCGGGCTGCGCCGAGGCGCCGGGGCGCTCGGGCTCGGCCGCCAGGCC-3'
Protein context (NP_005468.1, residues 157-177): ASAQPAASPP[Pro167Ala]PQQPPQPASA

ClinVar aggregate classification (germline): Uncertain significance (1 of 4 stars; one submission).

Conditions:
Brugada syndrome 8 (BRGDA8). Identifiers: Orphanet 130, MedGen C2751083, MONDO:0013148, OMIM 613123.

Submission:

Labcorp Genetics (formerly Invitae), Labcorp
Classification: Uncertain significance for Brugada syndrome 8. Last evaluated: 2022-10-31. Review status: criteria provided, single submitter. Criteria: Invitae Variant Classification Sherloc (09022015). Collection method: clinical testing. Allele origin: germline.
Comment: This sequence change replaces proline, which is neutral and non-polar, with alanine, which is neutral and non-polar, at codon 167 of the HCN4 protein (p.Pro167Ala). This variant is not present in population databases (gnomAD no frequency). This variant has not been reported in the literature in individuals affected with HCN4-related conditions. Advanced modeling of protein sequence and biophysical properties (such as structural, functional, and spatial information, amino acid conservation, physicochemical variation, residue mobility, and thermodynamic stability) performed at Invitae indicates that this missense variant is not expected to disrupt HCN4 protein function. In summary, the available evidence is currently insufficient to determine the role of this variant in disease. Therefore, it has been classified as a Variant of Uncertain Significance.